The following is an entry in ClinVar:

NM_001267550.2(TTN):c.107578_107583del (p.Gln35860_Glu35861del)

Genes: TTN-AS1 (TTN antisense RNA 1; plus strand), TTN (titin; minus strand). Cytogenetic location: 2q31.2.
Variant type: Deletion.
Coding change: c.107578_107583del on transcript NM_001267550.2 (MANE Select); coding-DNA positions 107578 to 107583, 6 bases deleted (CAAGAG; older notation c.107578_107583delCAAGAG).
Protein change: p.Gln35860_Glu35861del.
Molecular consequence: inframe deletion.
Genome position (GRCh38, 1-based): chr2:178,527,543-178,527,548, CTCTTG deleted on the plus strand (CAAGAG on the coding strand, the reverse complement: TTN is on the minus strand); deleting any 6 consecutive bases within chr2:178,527,543-178,527,549 gives the same sequence; the c. name uses the placement nearest the transcript's 3' end. VCF-style (leftmost placement, unchanged base first): chr2-178527542-ACTCTTG-A. GRCh37 (hg19) VCF-style: chr2-179392269-ACTCTTG-A.
Other names: c.102655_102660del, p.Gln34219_Glu34220del (NM_001256850.1); c.80383_80388del, p.Gln26795_Glu26796del (NM_003319.4); c.99874_99879del, p.Gln33292_Glu33293del (NM_133378.4); c.80758_80763del, p.Gln26920_Glu26921del (NM_133432.3); c.80959_80964del, p.Gln26987_Glu26988del (NM_133437.4); c.99874_99879delCAAGAG (NM_133378.4).
Identifiers: ClinVar variation 1489058 (VCV001489058.9), dbSNP rs751689670, ClinGen allele CA1984927.

ClinVar aggregate classification (germline): Uncertain significance. Review status: criteria provided, multiple submitters, no conflicts (2 of 4 stars). 2 submissions from 2 submitters: Uncertain significance (2). Last evaluated 2025-02-02.

Conditions:
Dilated cardiomyopathy 1G (CMD1G). Identifiers: Orphanet 154, MedGen C1858763, MONDO:0011400, OMIM 604145.
Autosomal recessive limb-girdle muscular dystrophy type 2J (LGMDR10). Also called: Limb-girdle muscular dystrophy, type 2J; MUSCULAR DYSTROPHY, LIMB-GIRDLE, AUTOSOMAL RECESSIVE 10. Identifiers: Orphanet 140922, MedGen C1837342, MONDO:0012127, OMIM 608807.

Submissions (2):

Labcorp Genetics (formerly Invitae), Labcorp
Classification: Uncertain significance for Dilated cardiomyopathy 1G; Autosomal recessive limb-girdle muscular dystrophy type 2J. Last evaluated: 2025-02-02. Review status: criteria provided, single submitter. Criteria: Invitae Variant Classification Sherloc (09022015). Collection method: clinical testing. Allele origin: germline.
Comment: This variant, c.107578_107583del, results in the deletion of 2 amino acid(s) of the TTN protein (p.Gln35860_Glu35861del), but otherwise preserves the integrity of the reading frame. This variant is present in population databases (rs751689670, gnomAD 0.0009%). This variant has not been reported in the literature in individuals affected with TTN-related conditions. ClinVar contains an entry for this variant (Variation ID: 1489058). Experimental studies and prediction algorithms are not available or were not evaluated, and the functional significance of this variant is currently unknown. This variant is located in the M band of TTN (PMID: 25589632). Non-truncating variants in this region may be relevant for neuromuscular disorders, but have not been definitively shown to cause cardiomyopathy (PMID: 23975875). In summary, the available evidence is currently insufficient to determine the role of this variant in disease. Therefore, it has been classified as a Variant of Uncertain Significance.

Women's Health and Genetics/Laboratory Corporation of America, LabCorp
Classification: Uncertain significance. Last evaluated: 2023-10-30. Review status: criteria provided, single submitter. Criteria: LabCorp Variant Classification Summary - May 2015. Collection method: clinical testing. Allele origin: germline.
Comment: Variant summary: TTN c.99874_99879delCAAGAG (p.Gln33292_Glu33293del) results in an in-frame deletion that is predicted to remove two amino acids from the M-band region of the encoded protein. The variant allele was found at a frequency of 4e-06 in 249098 control chromosomes. The available data on variant occurrences in the general population are insufficient to allow any conclusion about variant significance. To our knowledge, no occurrence of c.99874_99879delCAAGAG in individuals affected with Dilated Cardiomyopathy and no experimental evidence demonstrating its impact on protein function have been reported. One submitter has cited clinical-significance assessments for this variant to ClinVar after 2014 and has classified the variant as uncertain significance. Based on the evidence outlined above, the variant was classified as uncertain significance.

Literature cited by the submitters: PubMed 25589632 (cited by Labcorp Genetics (formerly Invitae), Labcorp); PubMed 23975875 (cited by Labcorp Genetics (formerly Invitae), Labcorp).